The following is an entry in ClinVar:

NM_001353108.3(CEP63):c.1279C>T (p.Arg427Ter)

Gene: CEP63 (centrosomal protein 63; plus strand). Cytogenetic location: 3q22.2.
Variant type: single nucleotide variant.
Coding change: c.1279C>T on transcript NM_001353108.3 (MANE Select); coding-DNA position 1279, C replaced by T.
Protein change: p.Arg427Ter; replaces arginine 427 with a stop codon.
Molecular consequence: nonsense. On other transcripts: non-coding transcript variant (4).
Genome position (GRCh38, 1-based): chr3:134,550,159, C>T. VCF-style: chr3-134550159-C-T. GRCh37 (hg19) VCF-style: chr3-134269001-C-T.
Other names: c.1141C>T, p.Arg381Ter (NM_001042383.2, NM_001042384.2, NM_001353109.1 and 6 more transcripts); c.1279C>T, p.Arg427Ter (NM_001042400.3, NM_001353110.1, NM_001353111.2 and 4 more transcripts); c.1168C>T, p.Arg390Ter (NM_001353118.1); c.1057C>T, p.Arg353Ter (NM_001353125.2); c.778C>T, p.Arg260Ter (NM_001353126.2); short protein forms R353*, R381*, R427*, R390*, R260*.
Identifiers: ClinVar variation 2988763 (VCV002988763.6), dbSNP rs933176029, ClinGen allele CA83752915.
Genomic context (GRCh38, chr3:134,550,159, plus strand): 5'-AGTTCTGCACTAGAAGGAATGAAGATGGAAATCTCCCATCTAACTCAGGAGTTACATCAG[C>T]GAGATATCACTATTGCTTCCACCAAAGGTTCTTCCTCAGACATGGAAAAGCGACTCAGAG-3'

ClinVar aggregate classification (germline): Conflicting classifications of pathogenicity. Review status: criteria provided, conflicting classifications (1 of 4 stars). 3 submissions from 3 submitters: Pathogenic (1); Likely pathogenic (1); Uncertain significance (1). Last evaluated 2024-01-19.

Conditions:
Seckel syndrome 6 (SCKL6). Identifiers: MedGen C3553582, MONDO:0013871, OMIM 614728.

Allele frequency attached by ClinVar (database versions not stated): TOPMed below 0.00001; gnomAD exomes 0.00001.
gnomAD v4.1: 13 of 1,613,564 alleles (0.00081%); highest among the groups gnomAD compares: South Asian, 0.0022%; no homozygotes.

Submissions (3):

Blueprint Genetics
Classification: Uncertain significance. Last evaluated: 2024-01-19. Review status: criteria provided, single submitter. Criteria: ACMG Guidelines, 2015. Collection method: clinical testing. Allele origin: germline.

Labcorp Genetics (formerly Invitae), Labcorp
Classification: Pathogenic. Last evaluated: 2023-10-03. Review status: criteria provided, single submitter. Criteria: Invitae Variant Classification Sherloc (09022015). Collection method: clinical testing. Allele origin: germline.
Comment: This sequence change creates a premature translational stop signal (p.Arg427*) in the CEP63 gene. It is expected to result in an absent or disrupted protein product. Loss-of-function variants in CEP63 are known to be pathogenic (PMID: 21983783, 23936128, 26158450). This variant is present in population databases (no rsID available, gnomAD 0.0009%). This variant has not been reported in the literature in individuals affected with CEP63-related conditions. For these reasons, this variant has been classified as Pathogenic.

Juno Genomics, Hangzhou Juno Genomics, Inc
Classification: Likely pathogenic for Seckel syndrome 6. Review status: criteria provided, single submitter. Criteria: ACMG Guidelines, 2015. Collection method: clinical testing. Allele origin: germline.
Comment: Null variant in a gene where loss of function (LOF) is a known mechanism of disease.;Absent from controls (or at extremely low frequency if recessive) in Genome Aggregation Database.

Literature cited by the submitters: PubMed 21983783 (cited by Labcorp Genetics (formerly Invitae), Labcorp); PubMed 23936128 (cited by Labcorp Genetics (formerly Invitae), Labcorp); PubMed 26158450 (cited by Labcorp Genetics (formerly Invitae), Labcorp).